The following is an entry in ClinVar:

ClinVar aggregate classification (germline): Uncertain significance. Review status: criteria provided, multiple submitters, no conflicts (2 of 4 stars). 3 submissions from 3 submitters: Uncertain significance (2). 1 of the submissions does not count toward it. Last evaluated 2023-11-27.

Conditions:
Inborn genetic diseases. Identifiers: MedGen C0950123, MeSH D030342.
Fetal akinesia deformation sequence 1 (FADS1). Also called: Fetal akinesia sequence; Pena-Shokeir syndrome type I. Identifiers: Orphanet 994, MedGen C1276035, MONDO:0100101, OMIM 208150, HP:0001989.
Congenital myasthenic syndrome 11. Also called: MYASTHENIC SYNDROME, CONGENITAL, Ie; Myasthenic syndrome, congenital, 11, associated with acetylcholine receptor deficiency. Identifiers: Orphanet 590, MedGen C4225367, MONDO:0014588, OMIM 616326.
Congenital myasthenic syndrome (CMS). Also called: Congenital Myasthenic Syndromes. Identifiers: Orphanet 590, MedGen C0751882, MeSH D020294, MONDO:0018940.

gnomAD v4.1: 7 of 1,608,848 alleles (0.00044%); highest among the groups gnomAD compares: African/African-American, 0.0027%; no homozygotes.

Submissions (3):

Labcorp Genetics (formerly Invitae), Labcorp
Classification: Uncertain significance for Congenital myasthenic syndrome 11; Fetal akinesia deformation sequence 1. Last evaluated: 2023-11-27. Review status: criteria provided, single submitter. Criteria: Invitae Variant Classification Sherloc (09022015). Collection method: clinical testing. Allele origin: germline.
Comment: This sequence change replaces methionine, which is neutral and non-polar, with leucine, which is neutral and non-polar, at codon 273 of the RAPSN protein (p.Met273Leu). This variant is not present in population databases (gnomAD no frequency). This variant has not been reported in the literature in individuals affected with RAPSN-related conditions. ClinVar contains an entry for this variant (Variation ID: 577733). Advanced modeling of protein sequence and biophysical properties (such as structural, functional, and spatial information, amino acid conservation, physicochemical variation, residue mobility, and thermodynamic stability) performed at Invitae indicates that this missense variant is not expected to disrupt RAPSN protein function with a negative predictive value of 80%. In summary, the available evidence is currently insufficient to determine the role of this variant in disease. Therefore, it has been classified as a Variant of Uncertain Significance.

Ambry Genetics
Classification: Uncertain significance for Inborn genetic diseases. Last evaluated: 2021-09-01. Review status: criteria provided, single submitter. Criteria: Ambry Variant Classification Scheme 2023. Collection method: clinical testing. Allele origin: germline.

Natera, Inc.
Classification: Uncertain significance for Congenital myasthenic syndrome. Last evaluated: 2021-01-11. Review status: no assertion criteria provided. Collection method: clinical testing. Allele origin: germline. Not counted in ClinVar's aggregate classification.

NM_005055.5(RAPSN):c.817A>T (p.Met273Leu)

Gene: RAPSN (receptor associated protein of the synapse; minus strand). Cytogenetic location: 11p11.2.
Variant type: single nucleotide variant.
Coding change: c.817A>T on transcript NM_005055.5 (MANE Select); coding-DNA position 817, A replaced by T.
Protein change: p.Met273Leu; replaces methionine 273 with leucine.
Molecular consequence: missense variant. On other transcripts: intron variant (1).
Genome position (GRCh38, 1-based): chr11:47,441,706, T>A on the plus strand (A>T on the coding strand, the complement: RAPSN is on the minus strand). VCF-style: chr11-47441706-T-A. GRCh37 (hg19) VCF-style: chr11-47463258-T-A.
Other names: c.789+117A>T (NM_032645.5); short protein forms M273L.
Identifiers: ClinVar variation 577733 (VCV000577733.9), dbSNP rs1397711588, ClinGen allele CA380329699.